The following is an entry in ClinVar:

ClinVar aggregate classification (germline): Uncertain significance (1 of 4 stars; one submission).

Submission:

GeneDx
Classification: Uncertain significance. Last evaluated: 2026-02-25. Review status: criteria provided, single submitter. Criteria: GeneDx Variant Classification Process June 2021. Collection method: clinical testing. Allele origin: germline.
Comment: Not observed at significant frequency in large population cohorts (gnomAD); In silico analysis supports that this missense variant has a deleterious effect on protein structure/function; Has not been previously published as pathogenic or benign to our knowledge

NM_001943.5(DSG2):c.1881G>T (p.Leu627Phe)

Gene: DSG2 (desmoglein 2; plus strand). Cytogenetic location: 18q12.1.
Variant type: single nucleotide variant.
Coding change: c.1881G>T on transcript NM_001943.5 (MANE Select); coding-DNA position 1881, G replaced by T.
Protein change: p.Leu627Phe; replaces leucine 627 with phenylalanine.
Molecular consequence: missense variant.
Genome position (GRCh38, 1-based): chr18:31,541,194, G>T. VCF-style: chr18-31541194-G-T. GRCh37 (hg19) VCF-style: chr18-29121157-G-T.
Other names: short protein forms L627F.
Identifiers: ClinVar variation 5009492 (VCV005009492.1).
Genomic context (GRCh38, chr18:31,541,194, plus strand): 5'-ATAAATTTAGAAATATATCAAGGTTAACCTTATCTGTGTTCAATTTTGTGTCTGTACAGT[G>T]GTACCACTTTTACTGCTGATGTGCCATTGCGGAAAGGGCGCCAAAGGCTTTACCCCCATA-3'
Protein context (NP_001934.2, residues 617-637): LMILAFLLLL[Leu627Phe]VPLLLLMCHC